The following is an entry in ClinVar:

ClinVar aggregate classification (germline): Likely benign (1 of 4 stars; one submission).

Allele frequency attached by ClinVar (database versions not stated): gnomAD exomes 0.00006; ExAC 0.00010; gnomAD 0.00011; TOPMed 0.00021.
gnomAD v4.1: 126 of 1,604,712 alleles (0.0079%); highest among the groups gnomAD compares: Middle Eastern, 0.082%; 1 homozygote.

Submission:

CeGaT Center for Human Genetics Tuebingen
Classification: Likely benign. Last evaluated: 2022-07-01. Review status: criteria provided, single submitter. Criteria: CeGaT Center For Human Genetics Tuebingen Variant Classification Criteria Version 2. Collection method: clinical testing. Allele origin: germline. Affected: yes. Observed: 1 variant allele.
Comment: P3H3: BP4, BP7

NM_014262.5(P3H3):c.1830C>T (p.Ser610=)

Gene: P3H3 (prolyl 3-hydroxylase 3; plus strand). Cytogenetic location: 12p13.31.
Variant type: single nucleotide variant.
Coding change: c.1830C>T on transcript NM_014262.5 (MANE Select); coding-DNA position 1830, C replaced by T.
Protein change: p.Ser610=; no amino-acid change (serine 610 retained).
Molecular consequence: synonymous variant.
Genome position (GRCh38, 1-based): chr12:6,837,958, C>T. VCF-style: chr12-6837958-C-T. GRCh37 (hg19) VCF-style: chr12-6947122-C-T.
Identifiers: ClinVar variation 2642639 (VCV002642639.24), dbSNP rs199534193, ClinGen allele CA6417202.